The following is an entry in ClinVar:

NM_006767.4(LZTR1):c.389T>C (p.Met130Thr)

Gene: LZTR1 (leucine zipper like post translational regulator 1; plus strand). Cytogenetic location: 22q11.21.
Variant type: single nucleotide variant.
Coding change: c.389T>C on transcript NM_006767.4 (MANE Select); coding-DNA position 389, T replaced by C.
Protein change: p.Met130Thr; replaces methionine 130 with threonine.
Molecular consequence: missense variant.
Genome position (GRCh38, 1-based): chr22:20,987,572, T>C. VCF-style: chr22-20987572-T-C. GRCh37 (hg19) VCF-style: chr22-21341861-T-C.
Other names: short protein forms M130T.
Identifiers: ClinVar variation 3678234 (VCV003678234.2).

ClinVar aggregate classification (germline): Uncertain significance (1 of 4 stars; one submission).

Submission:

Labcorp Genetics (formerly Invitae), Labcorp
Classification: Uncertain significance. Last evaluated: 2024-11-24. Review status: criteria provided, single submitter. Criteria: Invitae Variant Classification Sherloc (09022015). Collection method: clinical testing. Allele origin: germline.
Comment: This sequence change replaces methionine, which is neutral and non-polar, with threonine, which is neutral and polar, at codon 130 of the LZTR1 protein (p.Met130Thr). This variant is not present in population databases (gnomAD no frequency). This variant has not been reported in the literature in individuals affected with LZTR1-related conditions. Invitae Evidence Modeling of protein sequence and biophysical properties (such as structural, functional, and spatial information, amino acid conservation, physicochemical variation, residue mobility, and thermodynamic stability) indicates that this missense variant is not expected to disrupt LZTR1 protein function with a negative predictive value of 80%. In summary, the available evidence is currently insufficient to determine the role of this variant in disease. Therefore, it has been classified as a Variant of Uncertain Significance.